The following is an entry in ClinVar:

ClinVar aggregate classification (germline): Conflicting classifications of pathogenicity. Review status: criteria provided, conflicting classifications (1 of 4 stars). 2 submissions from 2 submitters: Likely pathogenic (1); Uncertain significance (1). Last evaluated 2023-08-30.

Conditions:
Early-infantile DEE. Also called: Ohtahara syndrome; Early infantile epileptic encephalopathy; Early infantile epileptic encephalopathy with suppression bursts. Identifiers: Orphanet 1934, MedGen C0393706, MONDO:0800491.
Seizures, benign familial infantile, 5 (BFIS5). Also called: CONVULSIONS, BENIGN FAMILIAL INFANTILE, 5. Identifiers: Orphanet 306, MedGen C4310728, MONDO:0014903, OMIM 617080.

Submissions (2):

University of British Columbia, BC Children's Hospital
Classification: Likely pathogenic for Seizures, benign familial infantile, 5. Last evaluated: 2023-08-30. Review status: criteria provided, single submitter. Criteria: ACMG Guidelines, 2015. Collection method: research. Allele origin: germline. Affected: yes.

Labcorp Genetics (formerly Invitae), Labcorp
Classification: Uncertain significance for Early-infantile DEE. Last evaluated: 2020-12-02. Review status: criteria provided, single submitter. Criteria: Invitae Variant Classification Sherloc (09022015). Collection method: clinical testing. Allele origin: germline.
Comment: This variant is not present in population databases (ExAC no frequency). This sequence change replaces aspartic acid with glycine at codon 329 of the SCN8A protein (p.Asp329Gly). The aspartic acid residue is highly conserved and there is a moderate physicochemical difference between aspartic acid and glycine. In summary, the available evidence is currently insufficient to determine the role of this variant in disease. Therefore, it has been classified as a Variant of Uncertain Significance. Algorithms developed to predict the effect of missense changes on protein structure and function are either unavailable or do not agree on the potential impact of this missense change (SIFT: "Deleterious"; PolyPhen-2: "Probably Damaging"; Align-GVGD: "Class C0"). This variant has not been reported in the literature in individuals with SCN8A-related conditions.

NM_001330260.2(SCN8A):c.986A>G (p.Asp329Gly)

Gene: SCN8A (sodium voltage-gated channel alpha subunit 8; plus strand). Cytogenetic location: 12q13.13.
Variant type: single nucleotide variant.
Coding change: c.986A>G on transcript NM_001330260.2 (MANE Select); coding-DNA position 986, A replaced by G.
Protein change: p.Asp329Gly; replaces aspartic acid 329 with glycine.
Molecular consequence: missense variant.
Genome position (GRCh38, 1-based): chr12:51,701,201, A>G. VCF-style: chr12-51701201-A-G. GRCh37 (hg19) VCF-style: chr12-52094985-A-G.
Other names: p.(Asp329Gly); c.986A>G, p.Asp329Gly (NM_001177984.3, NM_001369788.1, NM_014191.4); short protein forms D329G.
Identifiers: ClinVar variation 1518887 (VCV001518887.9), dbSNP rs1592389210, ClinGen allele CA385226997.